The following is an entry in ClinVar:

NM_001369.3(DNAH5):c.2039C>T (p.Ala680Val)

Gene: DNAH5 (dynein axonemal heavy chain 5; minus strand). Cytogenetic location: 5p15.2.
Variant type: single nucleotide variant.
Coding change: c.2039C>T on transcript NM_001369.3 (MANE Select); coding-DNA position 2039, C replaced by T.
Protein change: p.Ala680Val; replaces alanine 680 with valine.
Molecular consequence: missense variant.
Genome position (GRCh38, 1-based): chr5:13,901,265, G>A on the plus strand (C>T on the coding strand, the complement: DNAH5 is on the minus strand). VCF-style: chr5-13901265-G-A. GRCh37 (hg19) VCF-style: chr5-13901374-G-A.
Other names: short protein forms A680V.
Identifiers: ClinVar variation 1396647 (VCV001396647.10), dbSNP rs374086061, ClinGen allele CA3204697.

ClinVar aggregate classification (germline): Conflicting classifications of pathogenicity. Review status: criteria provided, conflicting classifications (1 of 4 stars). 2 submissions from 2 submitters: Uncertain significance (1); Benign (1). Last evaluated 2025-03-10.

Conditions:
Primary ciliary dyskinesia. Also called: Ciliary dyskinesia. Identifiers: Orphanet 244, MedGen C0008780, MONDO:0016575, HP:0012265.

Allele frequency attached by ClinVar (database versions not stated): gnomAD exomes 0.00002; ExAC 0.00004; ESP Exome Variant Server 0.00008; gnomAD 0.00011; TOPMed 0.00012.
gnomAD v4.1: 54 of 1,613,722 alleles (0.0033%); highest among the groups gnomAD compares: African/African-American, 0.025%; no homozygotes.

Submissions (2):

Labcorp Genetics (formerly Invitae), Labcorp
Classification: Benign for Primary ciliary dyskinesia. Last evaluated: 2025-03-10. Review status: criteria provided, single submitter. Criteria: Invitae Variant Classification Sherloc (09022015). Collection method: clinical testing. Allele origin: germline.

GeneDx
Classification: Uncertain significance. Last evaluated: 2022-09-19. Review status: criteria provided, single submitter. Criteria: GeneDx Variant Classification Process June 2021. Collection method: clinical testing. Allele origin: germline. Affected: yes.
Comment: In silico analysis supports that this missense variant has a deleterious effect on protein structure/function; Has not been previously published as pathogenic or benign to our knowledge